The following is an entry in ClinVar:

ClinVar aggregate classification (germline): Uncertain significance (1 of 4 stars; one submission).

Submission:

Ambry Genetics
Classification: Uncertain significance. Last evaluated: 2023-10-15. Review status: criteria provided, single submitter. Criteria: Ambry Variant Classification Scheme 2023. Collection method: clinical testing. Allele origin: germline.
Comment: The p.L288F variant (also known as c.862C>T), located in coding exon 6 of the IDH1 gene, results from a C to T substitution at nucleotide position 862. The leucine at codon 288 is replaced by phenylalanine, an amino acid with highly similar properties. This amino acid position is conserved. In addition, this alteration is predicted to be deleterious by in silico analysis. Since supporting evidence is limited at this time, the clinical significance of this alteration remains unclear.

NM_005896.4(IDH1):c.862C>T (p.Leu288Phe)

Gene: IDH1 (isocitrate dehydrogenase (NADP(+)) 1; minus strand). Cytogenetic location: 2q34.
Variant type: single nucleotide variant.
Coding change: c.862C>T on transcript NM_005896.4 (MANE Select); coding-DNA position 862, C replaced by T.
Protein change: p.Leu288Phe; replaces leucine 288 with phenylalanine.
Molecular consequence: missense variant.
Genome position (GRCh38, 1-based): chr2:208,239,992, G>A on the plus strand (C>T on the coding strand, the complement: IDH1 is on the minus strand). VCF-style: chr2-208239992-G-A. GRCh37 (hg19) VCF-style: chr2-209104716-G-A.
Other names: c.862C>T, p.Leu288Phe (NM_001282386.1, NM_001282387.1); short protein forms L288F.
Identifiers: ClinVar variation 3225151 (VCV003225151.1), dbSNP rs2469016404, ClinGen allele CA350095567.